The following is an entry in ClinVar:

ClinVar aggregate classification (germline): Uncertain significance. Review status: criteria provided, multiple submitters, no conflicts (2 of 4 stars). 5 submissions from 5 submitters: Uncertain significance (5). Last evaluated 2026-09-09.

Conditions:
Breast-ovarian cancer, familial, susceptibility to, 1 (BROVCA1). Also called: BRCA1 Hereditary Breast and Ovarian Cancer; OVARIAN CANCER, SUSCEPTIBILITY TO. Identifiers: Orphanet 145, MedGen C2676676, MONDO:0011450, OMIM 604370. Disease mechanism: loss of function.
BRCA1-related disorder. Also called: BRCA1-related condition.
Hereditary cancer-predisposing syndrome. Also called: Hereditary Cancer Syndrome; Hereditary neoplastic syndrome; Neoplastic Syndromes, Hereditary; Tumor predisposition. Identifiers: Orphanet 140162, MedGen C0027672, MeSH D009386, MONDO:0015356.
Hereditary breast ovarian cancer syndrome. Also called: BRCA1- and BRCA2-Associated Hereditary Breast and Ovarian Cancer; Hereditary breast and ovarian cancer syndrome; Hereditary breast and ovarian cancer syndrome (HBOC); Breast and ovarian cancer; Hereditary breast and/or ovarian cancer syndrome; Hereditary breast and ovarian cancer. Identifiers: Orphanet 145, MedGen C0677776, MeSH D061325, MONDO:0003582. Disease mechanism: loss of function.

Submissions (5):

PreventionGenetics, part of Exact Sciences
Classification: Uncertain significance for BRCA1-related condition. Last evaluated: 2026-09-09. Review status: criteria provided, single submitter. Criteria: ACMG Guidelines, 2015. Collection method: clinical testing. Allele origin: germline.
Comment: The BRCA1 c.339C>G variant is predicted to result in the amino acid substitution p.Asn113Lys. To our knowledge, this variant has not been reported in the literature or in a large population database (gnomAD), indicating this variant is rare. This variant is interpreted as uncertain in ClinVar (Variation ID: 89058). At this time, the clinical significance of this variant is uncertain due to the absence of conclusive functional and genetic evidence.

Ambry Genetics
Classification: Uncertain significance for Hereditary cancer-predisposing syndrome. Last evaluated: 2024-01-17. Review status: criteria provided, single submitter. Criteria: Ambry Variant Classification Scheme 2023. Collection method: clinical testing. Allele origin: germline.
Comment: The p.N113K variant (also known as c.339C>G), located in coding exon 5 of the BRCA1 gene, results from a C to G substitution at nucleotide position 339. The asparagine at codon 113 is replaced by lysine, an amino acid with similar properties. This amino acid position is not well conserved in available vertebrate species. In addition, the in silico prediction for this alteration is inconclusive. Since supporting evidence is limited at this time, the clinical significance of this alteration remains unclear.

Baylor Genetics
Classification: Uncertain significance for Breast-ovarian cancer, familial, susceptibility to, 1. Last evaluated: 2023-09-15. Review status: criteria provided, single submitter. Criteria: ACMG Guidelines, 2015. Collection method: clinical testing. Allele origin: unknown.

Labcorp Genetics (formerly Invitae), Labcorp
Classification: Uncertain significance for Hereditary breast ovarian cancer syndrome. Last evaluated: 2023-03-16. Review status: criteria provided, single submitter. Criteria: Invitae Variant Classification Sherloc (09022015). Collection method: clinical testing. Allele origin: germline.
Comment: In summary, the available evidence is currently insufficient to determine the role of this variant in disease. Therefore, it has been classified as a Variant of Uncertain Significance. Advanced modeling of protein sequence and biophysical properties (such as structural, functional, and spatial information, amino acid conservation, physicochemical variation, residue mobility, and thermodynamic stability) performed at Invitae indicates that this missense variant is not expected to disrupt BRCA1 protein function. ClinVar contains an entry for this variant (Variation ID: 89058). This variant has not been reported in the literature in individuals affected with BRCA1-related conditions. This variant is not present in population databases (gnomAD no frequency). This sequence change replaces asparagine, which is neutral and polar, with lysine, which is basic and polar, at codon 113 of the BRCA1 protein (p.Asn113Lys).

GeneDx
Classification: Uncertain significance. Last evaluated: 2017-11-27. Review status: criteria provided, single submitter. Criteria: GeneDx Variant Classification (06012015). Collection method: clinical testing. Allele origin: germline. Affected: yes.
Comment: This variant is denoted BRCA1 c.339C>G at the cDNA level, p.Asn113Lys (N113K) at the protein level, and results in the change of an Asparagine to a Lysine (AAC>AAG). Using alternate nomenclature, this variant would be defined as BRCA1 458C>G. This variant has not, to our knowledge, been published in the literature as pathogenic or benign. BRCA1 Asn113Lys was not observed in large population cohorts (Lek 2016). Since Asparagine and Lysine differ in some properties, this is considered a semi-conservative amino acid substitution. BRCA1 Asn113Lys is located in the BRD7 binding domain (Harte 2010). In-silico analyses, including protein predictors and evolutionary conservation, support that this variant does not alter protein structure or function. Based on currently available evidence, it is unclear whether BRCA1 Asn113Lys is a pathogenic or benign variant. We consider it to be a variant of uncertain significance.

NM_007294.4(BRCA1):c.339C>G (p.Asn113Lys)

Gene: BRCA1 (BRCA1 DNA repair associated; minus strand). Cytogenetic location: 17q21.31.
Variant type: single nucleotide variant.
Coding change: c.339C>G on transcript NM_007294.4 (MANE Select); coding-DNA position 339, C replaced by G.
Protein change: p.Asn113Lys; replaces asparagine 113 with lysine.
Molecular consequence: missense variant. On other transcripts: non-coding transcript variant (1).
Genome position (GRCh38, 1-based): chr17:43,104,224, G>C on the plus strand (C>G on the coding strand, the complement: BRCA1 is on the minus strand). VCF-style: chr17-43104224-G-C. GRCh37 (hg19) VCF-style: chr17-41256241-G-C.
Other names: p.N113K:AAC>AAG; c.198C>G, p.Asn66Lys (NM_001408463.1, NM_001408464.1, NM_001408465.1 and 99 more transcripts); c.339C>G, p.Asn113Lys (NM_001408472.1, NM_001408473.1, NM_001408494.1 and 165 more transcripts); c.261C>G, p.Asn87Lys (NM_001408474.1, NM_001408475.1, NM_001408476.1 and 21 more transcripts); c.129C>G, p.Asn43Lys (NM_001408478.1, NM_001408479.1, NM_001408480.1 and 58 more transcripts); c.-43C>G (NM_001408510.1, NM_001408512.1, NM_001407959.1 and 4 more transcripts); c.330C>G, p.Asn110Lys (NM_001407646.1, NM_001407647.1, NM_001408408.1); c.207C>G, p.Asn69Lys (NM_001408451.1); short protein forms N113K, N66K, N87K, N110K, N43K, N69K.
Identifiers: ClinVar variation 89058 (VCV000089058.17), dbSNP rs587779367, ClinGen allele CA002198.
Genomic context (GRCh38, chr17:43,104,224, plus strand): 5'-ACGGTTTCTGTAGCCCATACTTTGGATGATAGAAACTTCATCTTTTAGATGTTCAGGAGA[G>C]TTATTTTCCTTTTTTGCAAAATTATAGCTGTTTGCATCTGTAAAATACAAGGGAAAACAT-3'
Protein context (NP_009225.1, residues 103-123): NSYNFAKKEN[Asn113Lys]SPEHLKDEVS